The following is an entry in ClinVar:

NM_000384.3(APOB):c.7035C>T (p.Ile2345=)

Gene: APOB (apolipoprotein B; minus strand). Cytogenetic location: 2p24.1.
Variant type: single nucleotide variant.
Coding change: c.7035C>T on transcript NM_000384.3 (MANE Select); coding-DNA position 7035, C replaced by T.
Protein change: p.Ile2345=; no amino-acid change (isoleucine 2345 retained).
Molecular consequence: synonymous variant.
Genome position (GRCh38, 1-based): chr2:21,009,833, G>A on the plus strand (C>T on the coding strand, the complement: APOB is on the minus strand). VCF-style: chr2-21009833-G-A. GRCh37 (hg19) VCF-style: chr2-21232705-G-A.
Identifiers: ClinVar variation 1756802 (VCV001756802.8), dbSNP rs368113811, ClinGen allele CA064017.
Genomic context (GRCh38, chr2:21,009,833, plus strand): 5'-GGCCAACTCTACTAATTTATCCATTAAAACCTGGATTTGTTGGTCTACTTCATACCTCTC[G>A]ATTAACTCATGGACTTTGGCTCTGAAGGCATTGATTTTCTCAGCTACTTCAAAATCCCCA-3'
Protein context (NP_000375.3, residues 2335-2355): NAFRAKVHEL[Ile2345=]ERYEVDQQIQ

ClinVar aggregate classification (germline): Conflicting classifications of pathogenicity. Review status: criteria provided, conflicting classifications (1 of 4 stars). 3 submissions from 3 submitters: Uncertain significance (1); Likely benign (2). Last evaluated 2025-07-24.

Conditions:
Familial hypobetalipoproteinemia 1. Also called: APOB-Related Familial Hypobetalipoproteinemia; Hypobetalipoproteinemia, normotriglyceridemic; Acanthocytosis with hypobetalipoproteinemia. Identifiers: MedGen C4551990, MONDO:0014252, OMIM 615558.
Hypercholesterolemia, autosomal dominant, type B (FHCL2). Also called: Hyperlipoproteinemia Type IIb; Familial hypercholesterolemia 2; Familial Hypercholesterolemia Type B; APOLIPOPROTEIN B-100, FAMILIAL DEFECTIVE; APOLIPOPROTEIN B-100, FAMILIAL LIGAND-DEFECTIVE; HYPERCHOLESTEROLEMIA, FAMILIAL, DUE TO LIGAND-DEFECTIVE APOLIPOPROTEIN B. Identifiers: MedGen C1704417, MONDO:0007751, OMIM 144010.
Cardiovascular phenotype. Identifiers: MedGen CN230736.

Allele frequency attached by ClinVar (database versions not stated): gnomAD 0.00001; gnomAD exomes 0.00001; TOPMed 0.00001.
gnomAD v4.1: 12 of 1,613,810 alleles (0.00074%); highest among the groups gnomAD compares: Admixed American, 0.0067%; no homozygotes.

Submissions (3):

Quest Diagnostics Nichols Institute San Juan Capistrano
Classification: Uncertain significance. Last evaluated: 2025-07-24. Review status: criteria provided, single submitter. Criteria: Quest Diagnostics criteria. Collection method: clinical testing. Allele origin: unknown.
Comment: The APOB c.7035C>T (p.Ile2345=) synonymous variant has not been reported in individuals with APOB-related conditions in the published literature. The frequency of this variant in the general population (Genome Aggregation Database) is uninformative in the assessment of its pathogenicity. Analysis of this variant using software algorithms for the prediction of the effect of nucleotide changes on splicing yielded predictions that this variant does not affect APOB mRNA splicing. Based on the available information, we are unable to determine the clinical significance of this variant.

Labcorp Genetics (formerly Invitae), Labcorp
Classification: Likely benign for Familial hypobetalipoproteinemia 1; Hypercholesterolemia, autosomal dominant, type B. Last evaluated: 2025-02-19. Review status: criteria provided, single submitter. Criteria: Invitae Variant Classification Sherloc (09022015). Collection method: clinical testing. Allele origin: germline.

Ambry Genetics
Classification: Likely benign for Cardiovascular phenotype. Last evaluated: 2021-07-15. Review status: criteria provided, single submitter. Criteria: Ambry Variant Classification Scheme 2023. Collection method: clinical testing. Allele origin: germline.

Literature cited by the submitters: PubMed 37537257 (cited by Quest Diagnostics Nichols Institute San Juan Capistrano).